The following is an entry in ClinVar:

NM_198586.3(NHLRC1):c.422T>C (p.Val141Ala)

Gene: NHLRC1 (NHL repeat containing E3 ubiquitin protein ligase 1; minus strand). Cytogenetic location: 6p22.3.
Variant type: single nucleotide variant.
Coding change: c.422T>C on transcript NM_198586.3 (MANE Select); coding-DNA position 422, T replaced by C.
Protein change: p.Val141Ala; replaces valine 141 with alanine.
Molecular consequence: missense variant.
Genome position (GRCh38, 1-based): chr6:18,122,185, A>G on the plus strand (T>C on the coding strand, the complement: NHLRC1 is on the minus strand). VCF-style: chr6-18122185-A-G. GRCh37 (hg19) VCF-style: chr6-18122416-A-G.
Other names: p.V141A:GTC>GCC; short protein forms V141A.
Identifiers: ClinVar variation 206188 (VCV000206188.30), dbSNP rs143537405, ClinGen allele CA316033.

ClinVar aggregate classification (germline): Conflicting classifications of pathogenicity. Review status: criteria provided, conflicting classifications (1 of 4 stars). 5 submissions from 5 submitters: Uncertain significance (3); Likely benign (1). 1 of the submissions does not count toward it. Last evaluated 2026-09-16.

Conditions:
NHLRC1-related disorder. Also called: NHLRC1-related condition.
Inborn genetic diseases. Identifiers: MedGen C0950123, MeSH D030342.
Lafora disease. Also called: Progressive Myoclonus Epilepsy, Lafora Type; Epilepsy progressive myoclonic 2. Identifiers: Orphanet 501, MedGen C0751783, MONDO:0009697.

Allele frequency attached by ClinVar (database versions not stated): gnomAD exomes 0.00012 and 0.00032; ExAC 0.00038; 1000 Genomes Project 30x 0.00094; 1000 Genomes Project 0.00100; ESP Exome Variant Server 0.00116; gnomAD 0.00123 and 0.00133; TOPMed 0.00143.
gnomAD v4.1: 368 of 1,613,006 alleles (0.023%); highest among the groups gnomAD compares: African/African-American, 0.44%; no homozygotes.

Submissions (5):

GeneDx
Classification: Uncertain significance. Last evaluated: 2026-09-16. Review status: criteria provided, single submitter. Criteria: GeneDx Variant Classification Process June 2021. Collection method: clinical testing. Allele origin: germline.
Comment: In silico analysis supports that this missense variant has a deleterious effect on protein structure/function; Has not been previously published as pathogenic or benign to our knowledge

Labcorp Genetics (formerly Invitae), Labcorp
Classification: Likely benign for Lafora disease. Last evaluated: 2026-01-24. Review status: criteria provided, single submitter. Criteria: Invitae Variant Classification Sherloc (09022015). Collection method: clinical testing. Allele origin: germline.

Mayo Clinic Laboratories, Mayo Clinic
Classification: Uncertain significance. Last evaluated: 2019-06-25. Review status: criteria provided, single submitter. Criteria: ACMG Guidelines, 2015. Collection method: clinical testing. Allele origin: germline. Observed: 1 variant allele.

Ambry Genetics
Classification: Uncertain significance for Inborn genetic diseases. Last evaluated: 2018-12-18. Review status: criteria provided, single submitter. Criteria: Ambry Variant Classification Scheme 2023. Collection method: clinical testing. Allele origin: germline.
Comment: The p.V141A variant (also known as c.422T>C), located in coding exon 1 of the NHLRC1 gene, results from a T to C substitution at nucleotide position 422. The valine at codon 141 is replaced by alanine, an amino acid with similar properties. This amino acid position is not well conserved in available vertebrate species. In addition, the in silico prediction for this alteration is inconclusive. Since supporting evidence is limited at this time, the clinical significance of this alteration remains unclear.

PreventionGenetics, part of Exact Sciences
Classification: Likely benign for NHLRC1-related condition. Last evaluated: 2022-05-09. Review status: no assertion criteria provided. Collection method: clinical testing. Allele origin: germline. Not counted in ClinVar's aggregate classification.
Comment: This variant is classified as likely benign based on ACMG/AMP sequence variant interpretation guidelines (Richards et al. 2015 PMID: 25741868, with internal and published modifications).